The following is an entry in ClinVar:

NM_014974.3(DIP2C):c.1472A>G (p.Asn491Ser)

Gene: DIP2C (DIP2 acetate--CoA ligase C (putative); minus strand). Cytogenetic location: 10p15.3.
Variant type: single nucleotide variant.
Coding change: c.1472A>G on transcript NM_014974.3 (MANE Select); coding-DNA position 1472, A replaced by G.
Protein change: p.Asn491Ser; replaces asparagine 491 with serine.
Molecular consequence: missense variant.
Genome position (GRCh38, 1-based): chr10:390,286, T>C on the plus strand (A>G on the coding strand, the complement: DIP2C is on the minus strand). VCF-style: chr10-390286-T-C. GRCh37 (hg19) VCF-style: chr10-436226-T-C.
Other names: c.1472A>G (NM_014974.2); short protein forms N491S.
Identifiers: ClinVar variation 1991256 (VCV001991256.5), dbSNP rs76272398, ClinGen allele CA5380917.

ClinVar aggregate classification (germline): Uncertain significance. Review status: criteria provided, multiple submitters, no conflicts (2 of 4 stars). 2 submissions from 2 submitters: Uncertain significance (2). Last evaluated 2023-12-19.

Conditions:
Inborn genetic diseases. Identifiers: MedGen C0950123, MeSH D030342.

Allele frequency attached by ClinVar (database versions not stated): gnomAD 0.00002; gnomAD exomes 0.00002; TOPMed 0.00003; ExAC 0.00008; 1000 Genomes Project 30x 0.00016; 1000 Genomes Project 0.00020.
gnomAD v4.1: 32 of 1,613,928 alleles (0.002%); highest among the groups gnomAD compares: East Asian, 0.029%; no homozygotes.

Submissions (2):

Labcorp Genetics (formerly Invitae), Labcorp
Classification: Uncertain significance. Last evaluated: 2023-12-19. Review status: criteria provided, single submitter. Criteria: Invitae Variant Classification Sherloc (09022015). Collection method: clinical testing. Allele origin: germline.
Comment: This sequence change replaces asparagine, which is neutral and polar, with serine, which is neutral and polar, at codon 491 of the DIP2C protein (p.Asn491Ser). This variant is present in population databases (rs76272398, gnomAD 0.07%), and has an allele count higher than expected for a pathogenic variant. This variant has not been reported in the literature in individuals affected with DIP2C-related conditions. ClinVar contains an entry for this variant (Variation ID: 1991256). An algorithm developed to predict the effect of missense changes on protein structure and function (PolyPhen-2) suggests that this variant is likely to be tolerated. In summary, the available evidence is currently insufficient to determine the role of this variant in disease. Therefore, it has been classified as a Variant of Uncertain Significance.

Ambry Genetics
Classification: Uncertain significance for Inborn genetic diseases. Last evaluated: 2023-12-17. Review status: criteria provided, single submitter. Criteria: Ambry Variant Classification Scheme 2023. Collection method: clinical testing. Allele origin: germline.